The following is an entry in ClinVar:

ClinVar aggregate classification (germline): Conflicting classifications of pathogenicity. Review status: criteria provided, conflicting classifications (1 of 4 stars). 3 submissions from 1 submitter: Uncertain significance (1); Benign (2). Last evaluated 2018-01-13.

Conditions:
Andersen Tawil syndrome (LQT7). Also called: Potassium-sensitive periodic paralysis, ventricular ectopy, and dysmorphic features; ANDERSEN CARDIODYSRHYTHMIC PERIODIC PARALYSIS; LONG QT SYNDROME 7; PERIODIC PARALYSIS, POTASSIUM-SENSITIVE CARDIODYSRHYTHMIC TYPE; Andersen Syndrome. Identifiers: Orphanet 37553, MedGen C1563715, MONDO:0008222, OMIM 170390.
Atrial fibrillation, familial, 9 (ATFB9). Identifiers: MedGen C3151431, MONDO:0013513, OMIM 613980.
Short QT syndrome type 3. Identifiers: Orphanet 51083, MedGen C1865018, MONDO:0012314, OMIM 609622.

Allele frequency attached by ClinVar (database versions not stated): gnomAD 0.00135 and 0.00145; 1000 Genomes Project 30x 0.00172; TOPMed 0.00183; 1000 Genomes Project 0.00200.

Submissions (3):

Illumina Laboratory Services, Illumina
Classification: Benign for Short QT syndrome type 3. Last evaluated: 2018-01-13. Review status: criteria provided, single submitter. Criteria: ICSL Variant Classification Criteria 13 December 2019. Collection method: clinical testing. Allele origin: germline.
Comment: This variant was observed in the ICSL laboratory as part of a predisposition screen in an ostensibly healthy population. It had not been previously curated by ICSL or reported in the Human Gene Mutation Database (HGMD: prior to June 1st, 2018), and was therefore a candidate for classification through an automated scoring system. Utilizing variant allele frequency, disease prevalence and penetrance estimates, and inheritance mode, an automated score was calculated to assess if this variant is too frequent to cause the disease. Based on the score and internal cut-off values, a variant classified as benign is not then subjected to further curation. The score for this variant resulted in a classification of benign for this disease.

Illumina Laboratory Services, Illumina
Classification: Benign for Andersen Tawil syndrome. Last evaluated: 2018-01-13. Review status: criteria provided, single submitter. Criteria: ICSL Variant Classification Criteria 13 December 2019. Collection method: clinical testing. Allele origin: germline.
Comment: the same text as in the submission from Illumina Laboratory Services, Illumina above.

Illumina Laboratory Services, Illumina
Classification: Uncertain significance for Atrial fibrillation, familial, 9. Last evaluated: 2018-01-13. Review status: criteria provided, single submitter. Criteria: ICSL Variant Classification Criteria 13 December 2019. Collection method: clinical testing. Allele origin: germline.

NM_000891.3(KCNJ2):c.*732T>G

Gene: KCNJ2 (potassium inwardly rectifying channel subfamily J member 2; plus strand). Cytogenetic location: 17q24.3.
Variant type: single nucleotide variant.
Coding change: c.*732T>G on transcript NM_000891.3 (MANE Select); 732 bases downstream of the stop codon, T replaced by G.
Molecular consequence: 3 prime UTR variant.
Genome position (GRCh38, 1-based): chr17:70,177,055, T>G. VCF-style: chr17-70177055-T-G. GRCh37 (hg19) VCF-style: chr17-68173196-T-G.
Identifiers: ClinVar variation 324845 (VCV000324845.5), dbSNP rs150985434, ClinGen allele CA10649963.